The following is an entry in ClinVar:

NM_199420.4(POLQ):c.2924A>G (p.Asn975Ser)

Gene: POLQ (DNA polymerase theta; minus strand). Cytogenetic location: 3q13.33.
Variant type: single nucleotide variant.
Coding change: c.2924A>G on transcript NM_199420.4 (MANE Select); coding-DNA position 2924, A replaced by G.
Protein change: p.Asn975Ser; replaces asparagine 975 with serine.
Molecular consequence: missense variant.
Genome position (GRCh38, 1-based): chr3:121,490,007, T>C on the plus strand (A>G on the coding strand, the complement: POLQ is on the minus strand). VCF-style: chr3-121490007-T-C. GRCh37 (hg19) VCF-style: chr3-121208854-T-C.
Other names: short protein forms N975S.
Identifiers: ClinVar variation 2625806 (VCV002625806.2), dbSNP rs2546788024, ClinGen allele CA354103906.

ClinVar aggregate classification (germline): Uncertain significance (1 of 4 stars; one submission).

Allele frequency attached by ClinVar (database versions not stated): gnomAD exomes below 0.00001.
gnomAD v4.1: 5 of 1,579,516 alleles (0.00032%); highest among the groups gnomAD compares: Non-Finnish European, 0.00043%; no homozygotes.

Submission:

Ambry Genetics
Classification: Uncertain significance. Last evaluated: 2023-06-22. Review status: criteria provided, single submitter. Criteria: Ambry Variant Classification Scheme 2023. Collection method: clinical testing. Allele origin: germline.
Comment: The p.N975S variant (also known as c.2924A>G), located in coding exon 16 of the POLQ gene, results from an A to G substitution at nucleotide position 2924. The asparagine at codon 975 is replaced by serine, an amino acid with highly similar properties. This amino acid position is conserved. In addition, this alteration is predicted to be tolerated by in silico analysis. Since supporting evidence is limited at this time, the clinical significance of this alteration remains unclear.